The following is an entry in ClinVar:

NM_005633.4(SOS1):c.1047C>G (p.His349Gln)

Gene: SOS1 (SOS Ras/Rac guanine nucleotide exchange factor 1; minus strand). Cytogenetic location: 2p22.1.
Variant type: single nucleotide variant.
Coding change: c.1047C>G on transcript NM_005633.4 (MANE Select); coding-DNA position 1047, C replaced by G.
Protein change: p.His349Gln; replaces histidine 349 with glutamine.
Molecular consequence: missense variant.
Genome position (GRCh38, 1-based): chr2:39,035,239, G>C on the plus strand (C>G on the coding strand, the complement: SOS1 is on the minus strand). VCF-style: chr2-39035239-G-C. GRCh37 (hg19) VCF-style: chr2-39262380-G-C.
Other names: c.1026C>G, p.His342Gln (NM_001382394.1); c.1047C>G, p.His349Gln (NM_001382395.1); short protein forms H349Q, H342Q.
Identifiers: ClinVar variation 1954707 (VCV001954707.5), dbSNP rs1043516636, ClinGen allele CA45683382.
Genomic context (GRCh38, chr2:39,035,239, plus strand): 5'-TATGTTACAAATAACAATAAAGAGTTTTCTTACCTTCAAAAGTTCAAAGTAATGGAGACA[G>C]TGGTAAACAGGGGCCAGAAGCAGCCTGGGTAAAACATATTGAACAGCTTCTTTGAAACCT-3'
Protein context (NP_005624.2, residues 339-359): LPRLLLAPVY[His349Gln]CLHYFELLKQ

ClinVar aggregate classification (germline): Uncertain significance (1 of 4 stars; one submission).

Conditions:
RASopathy. Also called: rasopathies; Noonan spectrum disorder. Identifiers: Orphanet 536391, MedGen C5555857, MONDO:0021060.

gnomAD v4.1: 6 of 1,612,962 alleles (0.00037%); highest among the groups gnomAD compares: African/African-American, 0.0013%; no homozygotes.

Submission:

Labcorp Genetics (formerly Invitae), Labcorp
Classification: Uncertain significance for RASopathy. Last evaluated: 2025-07-22. Review status: criteria provided, single submitter. Criteria: Invitae Variant Classification Sherloc (09022015). Collection method: clinical testing. Allele origin: germline.
Comment: This sequence change replaces histidine, which is basic and polar, with glutamine, which is neutral and polar, at codon 349 of the SOS1 protein (p.His349Gln). This variant is present in population databases (no rsID available, gnomAD 0.002%). This variant has not been reported in the literature in individuals affected with SOS1-related conditions. ClinVar contains an entry for this variant (Variation ID: 1954707). Invitae Evidence Modeling of protein sequence and biophysical properties (such as structural, functional, and spatial information, amino acid conservation, physicochemical variation, residue mobility, and thermodynamic stability) has been performed for this missense variant. However, the output from this modeling did not meet the statistical confidence thresholds required to predict the impact of this variant on SOS1 protein function. In summary, the available evidence is currently insufficient to determine the role of this variant in disease. Therefore, it has been classified as a Variant of Uncertain Significance.